The following is an entry in ClinVar:

ClinVar aggregate classification (germline): Uncertain significance (1 of 4 stars; one submission).

Conditions:
Propionic acidemia (PROP). Also called: GLYCINEMIA, KETOTIC; HYPERGLYCINEMIA WITH KETOACIDOSIS AND LEUKOPENIA; KETOTIC HYPERGLYCINEMIA. Identifiers: Orphanet 35, MedGen C0268579, MONDO:0011628, OMIM 606054, HP:0003571.

Allele frequency attached by ClinVar (database versions not stated): TOPMed below 0.00001; gnomAD 0.00001.
gnomAD v4.1: 2 of 1,614,028 alleles (0.00012%); highest among the groups gnomAD compares: African/African-American, 0.0013%; no homozygotes.

Submission:

Labcorp Genetics (formerly Invitae), Labcorp
Classification: Uncertain significance for Propionic acidemia. Last evaluated: 2021-07-31. Review status: criteria provided, single submitter. Criteria: Invitae Variant Classification Sherloc (09022015). Collection method: clinical testing. Allele origin: germline.
Comment: In summary, the available evidence is currently insufficient to determine the role of this variant in disease. Therefore, it has been classified as a Variant of Uncertain Significance. Advanced modeling of protein sequence and biophysical properties (such as structural, functional, and spatial information, amino acid conservation, physicochemical variation, residue mobility, and thermodynamic stability) performed at Invitae indicates that this missense variant is expected to disrupt PCCB protein function. This variant has not been reported in the literature in individuals with PCCB-related conditions. This variant is not present in population databases (ExAC no frequency). This sequence change replaces phenylalanine with serine at codon 501 of the PCCB protein (p.Phe501Ser). The phenylalanine residue is highly conserved and there is a large physicochemical difference between phenylalanine and serine.

NM_000532.5(PCCB):c.1502T>C (p.Phe501Ser)

Gene: PCCB (propionyl-CoA carboxylase subunit beta; plus strand). Cytogenetic location: 3q22.3.
Variant type: single nucleotide variant.
Coding change: c.1502T>C on transcript NM_000532.5 (MANE Select); coding-DNA position 1502, T replaced by C.
Protein change: p.Phe501Ser; replaces phenylalanine 501 with serine.
Molecular consequence: missense variant.
Genome position (GRCh38, 1-based): chr3:136,329,908, T>C. VCF-style: chr3-136329908-T-C. GRCh37 (hg19) VCF-style: chr3-136048750-T-C.
Other names: c.1562T>C, p.Phe521Ser (NM_001178014.2); short protein forms F501S, F521S.
Identifiers: ClinVar variation 1430319 (VCV001430319.8), dbSNP rs1483082276, ClinGen allele CA354649910.
Genomic context (GRCh38, chr3:136,329,908, plus strand): 5'-AGGGGTGGCATCATCTCGGGATGCAGATGATCCACTCCCTTTTCTGTGCTTCACCAGGGT[T>C]TGTGGATGACATCATCCAACCTTCTTCCACACGTGCCCGAATCTGCTGTGACCTGGATGT-3'
Protein context (NP_000523.2, residues 491-511): ANPFPAAVRG[Phe501Ser]VDDIIQPSST